The following is an entry in ClinVar:

NM_000059.4(BRCA2):c.5355dup (p.Ser1786Ter)

Gene: BRCA2 (BRCA2 DNA repair associated; plus strand). Cytogenetic location: 13q13.1.
Variant type: Duplication.
Coding change: c.5355dup on transcript NM_000059.4 (MANE Select); coding-DNA position 5355, one base duplicated (T; older notation c.5355dupT).
Protein change: p.Ser1786Ter; replaces serine 1786 with a stop codon.
Molecular consequence: nonsense.
Genome position (GRCh38, 1-based): chr13:32,339,710, T duplicated. VCF-style (leftmost placement, unchanged base first): chr13-32339709-C-CT. GRCh37 (hg19) VCF-style: chr13-32913846-C-CT.
Other names: 5583insT; c.5355dupT (NM_000059.3); short protein forms S1786*.
Identifiers: ClinVar variation 51847 (VCV000051847.7), dbSNP rs397507781, ClinGen allele CA022139.

ClinVar aggregate classification (germline): Pathogenic. Review status: reviewed by expert panel (3 of 4 stars). 2 submissions from 2 submitters: Pathogenic (1). 1 of the submissions does not count toward it. Last evaluated 2016-10-18.

Conditions:
Breast-ovarian cancer, familial, susceptibility to, 2 (BROVCA2). Also called: BRCA2 Hereditary Breast and Ovarian Cancer. Identifiers: Orphanet 145, MedGen C2675520, MONDO:0012933, OMIM 612555. Disease mechanism: loss of function.

Submissions (2):

Evidence-based Network for the Interpretation of Germline Mutant Alleles (ENIGMA)
Classification: Pathogenic for Breast-ovarian cancer, familial, susceptibility to, 2. Last evaluated: 2016-10-18. Review status: reviewed by expert panel. Criteria: ENIGMA BRCA1/2 Classification Criteria (2015). Collection method: curation. Allele origin: germline.
Comment: Variant allele predicted to encode a truncated non-functional protein.

Consortium of Investigators of Modifiers of BRCA1/2 (CIMBA), c/o University of Cambridge
Classification: Pathogenic for Breast-ovarian cancer, familial, susceptibility to, 2. Last evaluated: 2015-10-02. Review status: criteria provided, single submitter. Criteria: CIMBA Mutation Classification guidelines May 2016. Collection method: clinical testing. Allele origin: germline. Not counted in ClinVar's aggregate classification.